The following is an entry in ClinVar:

NM_001206999.2(CIT):c.5112G>A (p.Val1704=)

Gene: CIT (citron rho-interacting serine/threonine kinase; minus strand). Cytogenetic location: 12q24.23.
Variant type: single nucleotide variant.
Coding change: c.5112G>A on transcript NM_001206999.2 (MANE Select); coding-DNA position 5112, G replaced by A.
Protein change: p.Val1704=; no amino-acid change (valine 1704 retained).
Molecular consequence: synonymous variant.
Genome position (GRCh38, 1-based): chr12:119,708,278, C>T on the plus strand (G>A on the coding strand, the complement: CIT is on the minus strand). VCF-style: chr12-119708278-C-T. GRCh37 (hg19) VCF-style: chr12-120146083-C-T.
Other names: c.4986G>A, p.Val1662= (NM_007174.3).
Identifiers: ClinVar variation 727804 (VCV000727804.9), dbSNP rs56146334, ClinGen allele CA6820990.

ClinVar aggregate classification (germline): Benign/Likely benign. Review status: criteria provided, multiple submitters, no conflicts (2 of 4 stars). 2 submissions from 2 submitters: Benign (1); Likely benign (1). Last evaluated 2026-01-06.

Conditions:
CIT-related disorder. Also called: CIT-related condition.

Allele frequency attached by ClinVar (database versions not stated): gnomAD exomes 0.00009 and 0.00029; gnomAD 0.00011 and 0.00012; TOPMed 0.00017; 1000 Genomes Project 30x 0.00031; ExAC 0.00032; 1000 Genomes Project 0.00040.
gnomAD v4.1: 152 of 1,605,646 alleles (0.0095%); highest among the groups gnomAD compares: East Asian, 0.31%; 1 homozygote.

Submissions (2):

PreventionGenetics, part of Exact Sciences
Classification: Likely benign for CIT-related condition. Last evaluated: 2026-01-06. Review status: criteria provided, single submitter. Criteria: ACMG Guidelines, 2015. Collection method: clinical testing. Allele origin: germline.
Comment: This variant is classified as likely benign based on ACMG/AMP sequence variant interpretation guidelines (Richards et al. 2015 PMID: 25741868, with internal and published modifications).

Labcorp Genetics (formerly Invitae), Labcorp
Classification: Benign. Last evaluated: 2025-07-27. Review status: criteria provided, single submitter. Criteria: Invitae Variant Classification Sherloc (09022015). Collection method: clinical testing. Allele origin: germline.